The following is an entry in ClinVar:

NM_144999.4(LRRC45):c.1318A>G (p.Met440Val)

Gene: LRRC45 (leucine rich repeat containing 45; plus strand). Cytogenetic location: 17q25.3.
Variant type: single nucleotide variant.
Coding change: c.1318A>G on transcript NM_144999.4 (MANE Select); coding-DNA position 1318, A replaced by G.
Protein change: p.Met440Val; replaces methionine 440 with valine.
Molecular consequence: missense variant.
Genome position (GRCh38, 1-based): chr17:82,029,102, A>G. VCF-style: chr17-82029102-A-G. GRCh37 (hg19) VCF-style: chr17-79986978-A-G.
Other names: short protein forms M440V.
Identifiers: ClinVar variation 4999433 (VCV004999433.1).

ClinVar aggregate classification (germline): Uncertain significance (1 of 4 stars; one submission).

Conditions:
LRRC45-related disorder. Also called: LRRC45-related condition.

gnomAD v4.1: 1 of 1,612,542 alleles (0.000062%); highest among the groups gnomAD compares: Non-Finnish European, 0.000085%; no homozygotes.

Submission:

PreventionGenetics, part of Exact Sciences
Classification: Uncertain significance for LRRC45-related condition. Last evaluated: 2025-11-18. Review status: criteria provided, single submitter. Criteria: ACMG Guidelines, 2015. Collection method: clinical testing. Allele origin: germline.
Comment: The LRRC45 c.1318A>G variant is predicted to result in the amino acid substitution p.Met440Val. To our knowledge, this variant has not been reported in the literature or in a large population database (gnomAD), indicating this variant is rare. At this time, the clinical significance of this variant is uncertain due to the absence of conclusive functional and genetic evidence.